The following is an entry in ClinVar:

ClinVar aggregate classification (germline): Uncertain significance (1 of 4 stars; one submission).

Conditions:
Mucopolysaccharidosis, MPS-III-D (MPS3D). Also called: N-ACETYLGLUCOSAMINE-6-SULFATASE DEFICIENCY; SANFILIPPO SYNDROME D; MPS III D; Mucopoly-saccharidosis type 3D; N-acetylglucosamine-6-sulfate sulfatase deficiency; MPS 3D. Identifiers: Orphanet 581, Orphanet 79272, MedGen C0086650, MONDO:0009658, OMIM 252940.

Submission:

Labcorp Genetics (formerly Invitae), Labcorp
Classification: Uncertain significance for Mucopolysaccharidosis, MPS-III-D. Last evaluated: 2023-08-04. Review status: criteria provided, single submitter. Criteria: Invitae Variant Classification Sherloc (09022015). Collection method: clinical testing. Allele origin: germline.
Comment: In summary, the available evidence is currently insufficient to determine the role of this variant in disease. Therefore, it has been classified as a Variant of Uncertain Significance. Advanced modeling of protein sequence and biophysical properties (such as structural, functional, and spatial information, amino acid conservation, physicochemical variation, residue mobility, and thermodynamic stability) performed at Invitae indicates that this missense variant is not expected to disrupt GNS protein function. ClinVar contains an entry for this variant (Variation ID: 2089901). This variant has not been reported in the literature in individuals affected with GNS-related conditions. This variant is not present in population databases (gnomAD no frequency). This sequence change replaces threonine, which is neutral and polar, with isoleucine, which is neutral and non-polar, at codon 364 of the GNS protein (p.Thr364Ile).

NM_002076.4(GNS):c.1091C>T (p.Thr364Ile)

Gene: GNS (glucosamine (N-acetyl)-6-sulfatase; minus strand). Cytogenetic location: 12q14.3.
Variant type: single nucleotide variant.
Coding change: c.1091C>T on transcript NM_002076.4 (MANE Select); coding-DNA position 1091, C replaced by T.
Protein change: p.Thr364Ile; replaces threonine 364 with isoleucine.
Molecular consequence: missense variant.
Genome position (GRCh38, 1-based): chr12:64,737,011, G>A on the plus strand (C>T on the coding strand, the complement: GNS is on the minus strand). VCF-style: chr12-64737011-G-A. GRCh37 (hg19) VCF-style: chr12-65130791-G-A.
Other names: short protein forms T364I.
Identifiers: ClinVar variation 2089901 (VCV002089901.4), dbSNP rs2539517760, ClinGen allele CA385605606.
Genomic context (GRCh38, chr12:64,737,011, plus strand): 5'-TTTTCTCAGGCAAGTGCCTACCTGTCCACAGCACCAGCTTGTCAGGCACCTACCTTGCTT[G>A]TCTGATTTGGTTTGATCCCAGGTCCTCGAACCAACAGTGGAACTTTGATATCAAACTCAT-3'
Protein context (NP_002067.1, residues 354-374): VRGPGIKPNQ[Thr364Ile]SKMLVANIDL